The following is an entry in ClinVar:

ClinVar aggregate classification (germline): Uncertain significance. Review status: criteria provided, multiple submitters, no conflicts (2 of 4 stars). 2 submissions from 2 submitters: Uncertain significance (2). Last evaluated 2025-02-08.

Allele frequency attached by ClinVar (database versions not stated): gnomAD 0.00001 and 0.00002.

Submissions (2):

Ambry Genetics
Classification: Uncertain significance. Last evaluated: 2025-02-08. Review status: criteria provided, single submitter. Criteria: Ambry Variant Classification Scheme 2023. Collection method: clinical testing. Allele origin: germline.

Labcorp Genetics (formerly Invitae), Labcorp
Classification: Uncertain significance. Last evaluated: 2024-10-29. Review status: criteria provided, single submitter. Criteria: Invitae Variant Classification Sherloc (09022015). Collection method: clinical testing. Allele origin: germline.
Comment: This sequence change replaces histidine, which is basic and polar, with glutamine, which is neutral and polar, at codon 107 of the FSCN2 protein (p.His107Gln). This variant is present in population databases (no rsID available, gnomAD 0.004%). This variant has not been reported in the literature in individuals affected with FSCN2-related conditions. ClinVar contains an entry for this variant (Variation ID: 1348026). An algorithm developed to predict the effect of missense changes on protein structure and function (PolyPhen-2) suggests that this variant is likely to be disruptive. In summary, the available evidence is currently insufficient to determine the role of this variant in disease. Therefore, it has been classified as a Variant of Uncertain Significance.

NM_012418.4(FSCN2):c.321C>G (p.His107Gln)

Gene: FSCN2 (fascin actin-bundling protein 2, retinal; plus strand). Cytogenetic location: 17q25.3.
Variant type: single nucleotide variant.
Coding change: c.321C>G on transcript NM_012418.4 (MANE Select); coding-DNA position 321, C replaced by G.
Protein change: p.His107Gln; replaces histidine 107 with glutamine.
Molecular consequence: missense variant.
Genome position (GRCh38, 1-based): chr17:81,528,852, C>G. VCF-style: chr17-81528852-C-G. GRCh37 (hg19) VCF-style: chr17-79495878-C-G.
Other names: c.321C>G (NM_001077182.2); c.321C>G, p.His107Gln (NM_001077182.3); short protein forms H107Q.
Identifiers: ClinVar variation 1348026 (VCV001348026.10), dbSNP rs1365608825, ClinGen allele CA401470531.